The following is an entry in ClinVar:

ClinVar aggregate classification (germline): Uncertain significance (1 of 4 stars; one submission).

Allele frequency attached by ClinVar (database versions not stated): ExAC 0.00001.
gnomAD v4.1: 2 of 1,613,630 alleles (0.00012%); highest among the groups gnomAD compares: Admixed American, 0.0017%; no homozygotes.

Submission:

Labcorp Genetics (formerly Invitae), Labcorp
Classification: Uncertain significance. Last evaluated: 2022-05-24. Review status: criteria provided, single submitter. Criteria: Invitae Variant Classification Sherloc (09022015). Collection method: clinical testing. Allele origin: germline.
Comment: This variant has not been reported in the literature in individuals affected with MAK-related conditions. Advanced modeling of protein sequence and biophysical properties (such as structural, functional, and spatial information, amino acid conservation, physicochemical variation, residue mobility, and thermodynamic stability) performed at Invitae indicates that this missense variant is not expected to disrupt MAK protein function. In summary, the available evidence is currently insufficient to determine the role of this variant in disease. Therefore, it has been classified as a Variant of Uncertain Significance. This sequence change replaces alanine, which is neutral and non-polar, with glycine, which is neutral and non-polar, at codon 147 of the MAK protein (p.Ala147Gly). This variant is present in population databases (rs755260124, gnomAD 0.003%).

NM_001242957.3(MAK):c.440C>G (p.Ala147Gly)

Gene: MAK (male germ cell associated kinase; minus strand). Cytogenetic location: 6p24.2.
Variant type: single nucleotide variant.
Coding change: c.440C>G on transcript NM_001242957.3 (MANE Select); coding-DNA position 440, C replaced by G.
Protein change: p.Ala147Gly; replaces alanine 147 with glycine.
Molecular consequence: missense variant. On other transcripts: non-coding transcript variant (2).
Genome position (GRCh38, 1-based): chr6:10,808,861, G>C on the plus strand (C>G on the coding strand, the complement: MAK is on the minus strand). VCF-style: chr6-10808861-G-C. GRCh37 (hg19) VCF-style: chr6-10809094-G-C.
Other names: c.440C>G, p.Ala147Gly (NM_001242385.2, NM_005906.6); c.338C>G, p.Ala113Gly (NM_001377262.1); short protein forms A147G, A113G.
Identifiers: ClinVar variation 1998357 (VCV001998357.2), dbSNP rs755260124, ClinGen allele CA3633719.